The following is an entry in ClinVar:

ClinVar aggregate classification (germline): Uncertain significance. Review status: criteria provided, multiple submitters, no conflicts (2 of 4 stars). 3 submissions from 3 submitters: Uncertain significance (3). Last evaluated 2025-03-17.

Allele frequency attached by ClinVar (database versions not stated): gnomAD 0.00003 and 0.00004; TOPMed 0.00003.
gnomAD v4.1: 38 of 1,614,066 alleles (0.0024%); highest among the groups gnomAD compares: Non-Finnish European, 0.0031%; no homozygotes.

Submissions (3):

Labcorp Genetics (formerly Invitae), Labcorp
Classification: Uncertain significance. Last evaluated: 2025-03-17. Review status: criteria provided, single submitter. Criteria: Invitae Variant Classification Sherloc (09022015). Collection method: clinical testing. Allele origin: germline.
Comment: This sequence change replaces serine, which is neutral and polar, with glycine, which is neutral and non-polar, at codon 2186 of the CEP250 protein (p.Ser2186Gly). This variant is present in population databases (rs753684828, gnomAD 0.007%). This variant has not been reported in the literature in individuals affected with CEP250-related conditions. ClinVar contains an entry for this variant (Variation ID: 936402). An algorithm developed to predict the effect of missense changes on protein structure and function (PolyPhen-2) suggests that this variant is likely to be tolerated. In summary, the available evidence is currently insufficient to determine the role of this variant in disease. Therefore, it has been classified as a Variant of Uncertain Significance.

CeGaT Center for Human Genetics Tuebingen
Classification: Uncertain significance. Last evaluated: 2024-01-01. Review status: criteria provided, single submitter. Criteria: CeGaT Center For Human Genetics Tuebingen Variant Classification Criteria Version 2. Collection method: clinical testing. Allele origin: germline. Affected: yes. Observed: 1 variant allele.
Comment: CEP250: PM2, BP4

Blueprint Genetics
Classification: Uncertain significance. Last evaluated: 2022-09-30. Review status: criteria provided, single submitter. Criteria: ACMG Guidelines, 2015. Collection method: clinical testing. Allele origin: germline.

NM_007186.6(CEP250):c.6556A>G (p.Ser2186Gly)

Gene: CEP250 (centrosomal protein 250; plus strand). Cytogenetic location: 20q11.22.
Variant type: single nucleotide variant.
Coding change: c.6556A>G on transcript NM_007186.6 (MANE Select); coding-DNA position 6556, A replaced by G.
Protein change: p.Ser2186Gly; replaces serine 2186 with glycine.
Molecular consequence: missense variant.
Genome position (GRCh38, 1-based): chr20:35,504,925, A>G. VCF-style: chr20-35504925-A-G. GRCh37 (hg19) VCF-style: chr20-34092753-A-G.
Other names: c.4660A>G, p.Ser1554Gly (NM_001318219.1); short protein forms S1554G, S2186G.
Identifiers: ClinVar variation 936402 (VCV000936402.30), dbSNP rs753684828, ClinGen allele CA9834093.